The following is an entry in ClinVar:

ClinVar aggregate classification (germline): Uncertain significance (1 of 4 stars; one submission).

Conditions:
Familial episodic pain syndrome with predominantly lower limb involvement. Also called: Episodic pain syndrome, familial, 3. Identifiers: Orphanet 391384, Orphanet 391392, MedGen C3809899, MONDO:0014247, OMIM 615552.
Hereditary sensory and autonomic neuropathy type 7. Also called: Neuropathy, hereditary sensory and autonomic, type VII; HSAN VII. Identifiers: Orphanet 391397, MedGen C3809882, MONDO:0014244, OMIM 615548.

Allele frequency attached by ClinVar (database versions not stated): gnomAD exomes below 0.00001; ExAC 0.00001; gnomAD 0.00001; 1000 Genomes Project 30x 0.00016; 1000 Genomes Project 0.00020.
gnomAD v4.1: 1 of 1,613,116 alleles (0.000062%); highest among the groups gnomAD compares: Admixed American, 0.0017%; no homozygotes.

Submission:

Labcorp Genetics (formerly Invitae), Labcorp
Classification: Uncertain significance for Familial episodic pain syndrome with predominantly lower limb involvement; Hereditary sensory and autonomic neuropathy type 7. Last evaluated: 2018-01-14. Review status: criteria provided, single submitter. Criteria: Invitae Variant Classification Sherloc (09022015). Collection method: clinical testing. Allele origin: germline.
Comment: In summary, the available evidence is currently insufficient to determine the role of this variant in disease. Therefore, it has been classified as a Variant of Uncertain Significance. Algorithms developed to predict the effect of missense changes on protein structure and function (SIFT, PolyPhen-2, Align-GVGD) all suggest that this variant is likely to be tolerated, but these predictions have not been confirmed by published functional studies and their clinical significance is uncertain. This variant has not been reported in the literature in individuals with SCN11A-related disease. This variant is present in population databases (rs542904299, ExAC 0.009%). This sequence change replaces glutamine with arginine at codon 325 of the SCN11A protein (p.Gln325Arg). The glutamine residue is weakly conserved and there is a small physicochemical difference between glutamine and arginine.

NM_001349253.2(SCN11A):c.974A>G (p.Gln325Arg)

Gene: SCN11A (sodium voltage-gated channel alpha subunit 11; minus strand). Cytogenetic location: 3p22.2.
Variant type: single nucleotide variant.
Coding change: c.974A>G on transcript NM_001349253.2 (MANE Select); coding-DNA position 974, A replaced by G.
Protein change: p.Gln325Arg; replaces glutamine 325 with arginine.
Molecular consequence: missense variant.
Genome position (GRCh38, 1-based): chr3:38,910,193, T>C on the plus strand (A>G on the coding strand, the complement: SCN11A is on the minus strand). VCF-style: chr3-38910193-T-C. GRCh37 (hg19) VCF-style: chr3-38951684-T-C.
Other names: c.974A>G, p.Gln325Arg (NM_014139.3); short protein forms Q325R.
Identifiers: ClinVar variation 566300 (VCV000566300.6), dbSNP rs542904299, ClinGen allele CA2322428.